The following is an entry in ClinVar:

ClinVar aggregate classification (germline): Pathogenic/Likely pathogenic. Review status: criteria provided, multiple submitters, no conflicts (2 of 4 stars). 6 submissions from 6 submitters: Pathogenic (1); Likely pathogenic (3). 2 of the submissions do not count toward it. Last evaluated 2025-06-01.

Conditions:
NPHS1-related disorder. Also called: NPHS1-related condition.
Infantile Nephrotic syndrome.
Finnish congenital nephrotic syndrome (NPHS1). Also called: NEPHROTIC SYNDROME, TYPE 1. Identifiers: Orphanet 839, MedGen C0403399, MONDO:0009732, OMIM 256300.

Allele frequency attached by ClinVar (database versions not stated): TOPMed 0.00002; gnomAD exomes 0.00001.
gnomAD v4.1: 9 of 1,613,844 alleles (0.00056%); highest among the groups gnomAD compares: Non-Finnish European, 0.00068%; no homozygotes.

Submissions (6):

Natera, Inc.
Classification: Likely pathogenic for Finnish congenital nephrotic syndrome. Last evaluated: 2025-06-01. Review status: criteria provided, single submitter. Criteria: Natera Variant Classification Schema (03/2026). Collection method: clinical testing. Allele origin: germline.
Comment: The c.2071+2T>C variant in NPHS1 is a canonical splice donor site variant predicted to affect pre-mRNA splicing, which may result in an abnormal transcript and altered protein product. This variant is expected to result in nonsense mediated decay, truncation, or a dysfunctional protein product. This variant is rare in the general population with a frequency below the threshold expected for the associated phenotype(s). This variant has been observed in one or more individuals affected with the associated recessive disease, as either homozygous or compound heterozygous with a second variant (PMID: 20507940, 34859019). Given the available evidence, this variant is classified as Likely Pathogenic.

Blueprint Genetics
Classification: Likely pathogenic for NPHS1-related disorders. Last evaluated: 2024-07-11. Review status: criteria provided, single submitter. Criteria: ACMG Guidelines, 2015. Collection method: clinical testing. Allele origin: germline. Affected: yes. Observed: 3 variant alleles.

Labcorp Genetics (formerly Invitae), Labcorp
Classification: Pathogenic. Last evaluated: 2023-09-20. Review status: criteria provided, single submitter. Criteria: Invitae Variant Classification Sherloc (09022015). Collection method: clinical testing. Allele origin: germline.
Comment: For these reasons, this variant has been classified as Pathogenic. This sequence change affects a donor splice site in intron 15 of the NPHS1 gene. It is expected to disrupt RNA splicing. Variants that disrupt the donor or acceptor splice site typically lead to a loss of protein function (PMID: 16199547), and loss-of-function variants in NPHS1 are known to be pathogenic (PMID: 11317351, 11854170, 12039988). This variant is not present in population databases (gnomAD no frequency). Disruption of this splice site has been observed in individual(s) with clinical features of nephrotic syndrome (PMID: 11317351, 20507940, 34859019). In at least one individual the data is consistent with being in trans (on the opposite chromosome) from a pathogenic variant. ClinVar contains an entry for this variant (Variation ID: 56460).

Vasylyeva lab, Texas Tech University Health Sciences Center
Classification: Likely pathogenic for Infantile Nephrotic syndrome. Last evaluated: 2022-09-26. Review status: criteria provided, single submitter. Criteria: ACMG Guidelines, 2015. Collection method: clinical testing. Allele origin: unknown. Affected: yes.

Counsyl
Classification: Likely pathogenic for Finnish congenital nephrotic syndrome. Last evaluated: 2017-06-08. Review status: no assertion criteria provided. Collection method: clinical testing. Allele origin: unknown. Not counted in ClinVar's aggregate classification.

Juha Muilu Group; Institute for Molecular Medicine Finland (FIMM)
Classification: Likely pathogenic for Finnish congenital nephrotic syndrome. Review status: no assertion criteria provided. Collection method: not provided. Allele origin: unknown. Not counted in ClinVar's aggregate classification.
Comment: FinDis database variant: This variant was not found or characterized by our laboratory, data were collected from public sources: see reference
ClinVar note: Converted during submission from probable-pathogenic to Likely pathogenic.

Literature cited by the submitters: PubMed 20507940 (cited by 4 submitters); PubMed 34859019 (cited by Natera, Inc. and Labcorp Genetics (formerly Invitae), Labcorp); PubMed 16199547 (cited by Labcorp Genetics (formerly Invitae), Labcorp); PubMed 11317351 (cited by 3 submitters); PubMed 11854170 (cited by Labcorp Genetics (formerly Invitae), Labcorp); PubMed 12039988 (cited by Labcorp Genetics (formerly Invitae), Labcorp).

NM_004646.4(NPHS1):c.2071+2T>C

Gene: NPHS1 (NPHS1 adhesion molecule, nephrin; minus strand). Cytogenetic location: 19q13.12.
Variant type: single nucleotide variant.
Coding change: c.2071+2T>C on transcript NM_004646.4 (MANE Select); the canonical splice donor site of the intron after coding-DNA position 2071, T replaced by C.
Molecular consequence: splice donor variant.
Genome position (GRCh38, 1-based): chr19:35,844,317, A>G on the plus strand (T>C on the coding strand, the complement: NPHS1 is on the minus strand). VCF-style: chr19-35844317-A-G. GRCh37 (hg19) VCF-style: chr19-36335219-A-G.
Identifiers: ClinVar variation 56460 (VCV000056460.15), dbSNP rs386833901, ClinGen allele CA250165.